The following is an entry in ClinVar:

ClinVar aggregate classification (germline): Conflicting classifications of pathogenicity. Review status: criteria provided, conflicting classifications (1 of 4 stars). 4 submissions from 4 submitters: Uncertain significance (3); Benign (1). Last evaluated 2023-10-22.

Conditions:
Usher syndrome type 2C. Also called: Usher syndrome, type 2B; USHER SYNDROME, TYPE IIC. Identifiers: Orphanet 231178, Orphanet 886, MedGen C2931213, MONDO:0011558, OMIM 605472.

Allele frequency attached by ClinVar (database versions not stated): gnomAD below 0.00001 and 0.00001; gnomAD exomes 0.00007; ExAC 0.00008.
gnomAD v4.1: 36 of 1,601,138 alleles (0.0022%); highest among the groups gnomAD compares: South Asian, 0.039%; no homozygotes.

Submissions (4):

Labcorp Genetics (formerly Invitae), Labcorp
Classification: Benign. Last evaluated: 2023-10-22. Review status: criteria provided, single submitter. Criteria: Invitae Variant Classification Sherloc (09022015). Collection method: clinical testing. Allele origin: germline.

Illumina Laboratory Services, Illumina
Classification: Uncertain significance for Usher syndrome type 2C. Last evaluated: 2018-01-13. Review status: criteria provided, single submitter. Criteria: ICSL Variant Classification Criteria 13 December 2019. Collection method: clinical testing. Allele origin: germline.

Blueprint Genetics
Classification: Uncertain significance. Last evaluated: 2017-09-07. Review status: criteria provided, single submitter. Criteria: ACMG Guidelines, 2015. Collection method: clinical testing. Allele origin: germline.

Laboratory for Molecular Medicine, Mass General Brigham Personalized Medicine
Classification: Uncertain significance. Last evaluated: 2013-11-19. Review status: criteria provided, single submitter. Criteria: LMM Criteria. Collection method: clinical testing. Allele origin: germline. Observed: 1 variant allele.
Comment: The Arg4277Leu variant in GPR98 has not been previously reported in individuals with hearing loss. Data from large population studies is insufficient. Computati onal analyses (biochemical amino acid properties, conservation, AlignGVGD, PolyP hen2, and SIFT) do not provide strong support for or against an impact to the pr otein. In summary, additional data is needed to determine the clinical significa nce of this variant.

NM_032119.4(ADGRV1):c.12830G>T (p.Arg4277Leu)

Gene: ADGRV1 (adhesion G protein-coupled receptor V1; plus strand). Cytogenetic location: 5q14.3.
Variant type: single nucleotide variant.
Coding change: c.12830G>T on transcript NM_032119.4 (MANE Select); coding-DNA position 12830, G replaced by T.
Protein change: p.Arg4277Leu; replaces arginine 4277 with leucine.
Molecular consequence: missense variant. On other transcripts: non-coding transcript variant (1).
Genome position (GRCh38, 1-based): chr5:90,778,590, G>T. VCF-style: chr5-90778590-G-T. GRCh37 (hg19) VCF-style: chr5-90074407-G-T.
Other names: short protein forms R4277L.
Identifiers: ClinVar variation 179406 (VCV000179406.12), dbSNP rs571603222, ClinGen allele CA184356.
Genomic context (GRCh38, chr5:90,778,590, plus strand): 5'-TCACGGTGGTGGCCAGCGACTCTCCCTATGGCCGATTTGCCTTTTCACATGAGCAACTTC[G>T]AGTGTCAGAAGCACAGAGGGTATAGTATGAAATGCTTAAGATTTTAATATCATTTTTATT-3'
Protein context (NP_115495.3, residues 4267-4287): GRFAFSHEQL[Arg4277Leu]VSEAQRVNIT